The following is an entry in ClinVar:

ClinVar aggregate classification (germline): Uncertain significance (1 of 4 stars; one submission).

Allele frequency attached by ClinVar (database versions not stated): ExAC 0.00002.
gnomAD v4.1: 13 of 1,614,090 alleles (0.00081%); highest among the groups gnomAD compares: African/African-American, 0.0027%; no homozygotes.

Submission:

Labcorp Genetics (formerly Invitae), Labcorp
Classification: Uncertain significance. Last evaluated: 2022-08-16. Review status: criteria provided, single submitter. Criteria: Invitae Variant Classification Sherloc (09022015). Collection method: clinical testing. Allele origin: germline.
Comment: In summary, the available evidence is currently insufficient to determine the role of this variant in disease. Therefore, it has been classified as a Variant of Uncertain Significance. Algorithms developed to predict the effect of missense changes on protein structure and function output the following: SIFT: "Not Available"; PolyPhen-2: "Benign"; Align-GVGD: "Not Available". The glutamine amino acid residue is found in multiple mammalian species, which suggests that this missense change does not adversely affect protein function. ClinVar contains an entry for this variant (Variation ID: 1445731). This variant has not been reported in the literature in individuals affected with POLR1A-related conditions. This variant is present in population databases (rs762778123, gnomAD 0.002%). This sequence change replaces arginine, which is basic and polar, with glutamine, which is neutral and polar, at codon 843 of the POLR1A protein (p.Arg843Gln).

NM_015425.6(POLR1A):c.2528G>A (p.Arg843Gln)

Gene: POLR1A (RNA polymerase I subunit A; minus strand). Cytogenetic location: 2p11.2.
Variant type: single nucleotide variant.
Coding change: c.2528G>A on transcript NM_015425.6 (MANE Select); coding-DNA position 2528, G replaced by A.
Protein change: p.Arg843Gln; replaces arginine 843 with glutamine.
Molecular consequence: missense variant.
Genome position (GRCh38, 1-based): chr2:86,048,990, C>T on the plus strand (G>A on the coding strand, the complement: POLR1A is on the minus strand). VCF-style: chr2-86048990-C-T. GRCh37 (hg19) VCF-style: chr2-86276113-C-T.
Other names: short protein forms R843Q.
Identifiers: ClinVar variation 1445731 (VCV001445731.6), dbSNP rs762778123, ClinGen allele CA1746016.